The following is an entry in ClinVar:

NM_001166114.2(PNPLA6):c.2635-19A>C

Gene: PNPLA6 (patatin like domain 6, lysophospholipase; plus strand). Cytogenetic location: 19p13.2.
Variant type: single nucleotide variant.
Coding change: c.2635-19A>C on transcript NM_001166114.2 (MANE Select); 19 bases into the intron before coding-DNA position 2635, A replaced by C.
Molecular consequence: intron variant.
Genome position (GRCh38, 1-based): chr19:7,554,874, A>C. VCF-style: chr19-7554874-A-C. GRCh37 (hg19) VCF-style: chr19-7619760-A-C.
Other names: c.2521-19A>C (NM_006702.5, NM_001166113.1); c.2440-19A>C (NM_001166112.2); c.2665-19A>C (NM_001166111.2).
Identifiers: ClinVar variation 380864 (VCV000380864.19), dbSNP rs539887, ClinGen allele CA9140194.
Genomic context (GRCh38, chr19:7,554,874, plus strand): 5'-GGGGGTAGGCGATCAGGGACCCAGGTGTGGCCAGGTGGTGGTGGGGCGGCTGGTGACCTC[A>C]GCCGTCCGTATTCCGCAGCTGGAGCAGATGCTGGAGAACACGGCTGTGCGCGCCCTTAAG-3'

ClinVar aggregate classification (germline): Benign. Review status: criteria provided, multiple submitters, no conflicts (2 of 4 stars). 10 submissions from 7 submitters: Benign (8). 2 of the submissions do not count toward it. Last evaluated 2026-02-04.

Conditions:
Trichomegaly-retina pigmentary degeneration-dwarfism syndrome (OMCS). Also called: Eyelashes long mental retardation; Trichomegaly retina pigmentary degeneration dwarfism; Oliver-McFarlane Syndrome (OMCS); OLIVER-MCFARLANE SYNDROME. Identifiers: Orphanet 3363, MedGen C1848745, MONDO:0010152, OMIM 275400.
Laurence-Moon syndrome (LNMS). Also called: PNPLA6-Related Laurence-Moon Syndrome (LMS). Identifiers: Orphanet 2377, MedGen C0023138, MONDO:0009514, OMIM 245800.
Ataxia-hypogonadism-choroidal dystrophy syndrome (BNHS). Also called: Chorioretinal dystrophy, spinocerebellar ataxia and hypogonadotropic hypogonadism; Boucher-Neuhäuser Syndrome (BNS). Identifiers: Orphanet 1180, MedGen C1859093, MONDO:0008980, OMIM 215470.
Hereditary spastic paraplegia 39 (SPG39). Also called: SPASTIC PARAPLEGIA 39, AUTOSOMAL RECESSIVE; Spastic Paraplegia Type 39 (SPG39). Identifiers: Orphanet 139480, MedGen C2677586, MONDO:0012787, OMIM 612020.

Allele frequency attached by ClinVar (database versions not stated): gnomAD exomes 0.31792 and 0.31964; 1000 Genomes Project 0.34704; 1000 Genomes Project 30x 0.35197; gnomAD 0.35260 and 0.35604; ESP Exome Variant Server 0.35639; TOPMed 0.36115; ExAC 0.36880.
gnomAD v4.1: 506,308 of 1,573,076 alleles (32%); highest among the groups gnomAD compares: Middle Eastern, 45%; 82,949 homozygotes.

Submissions (10):

Labcorp Genetics (formerly Invitae), Labcorp
Classification: Benign for Hereditary spastic paraplegia 39. Last evaluated: 2026-02-04. Review status: criteria provided, single submitter. Criteria: Invitae Variant Classification Sherloc (09022015). Collection method: clinical testing. Allele origin: germline.

Blueprint Genetics
Classification: Benign. Last evaluated: 2024-11-28. Review status: criteria provided, single submitter. Criteria: ACMG Guidelines, 2015. Collection method: clinical testing. Allele origin: germline.

Genome-Nilou Lab
Classification: Benign for Laurence-Moon syndrome. Last evaluated: 2021-10-25. Review status: criteria provided, single submitter. Criteria: ACMG Guidelines, 2015. Collection method: clinical testing. Allele origin: germline. Affected: no.

Genome-Nilou Lab
Classification: Benign for Ataxia-hypogonadism-choroidal dystrophy syndrome. Last evaluated: 2021-10-25. Review status: criteria provided, single submitter. Criteria: ACMG Guidelines, 2015. Collection method: clinical testing. Allele origin: germline. Affected: no.

Genome-Nilou Lab
Classification: Benign for Trichomegaly-retina pigmentary degeneration-dwarfism syndrome. Last evaluated: 2021-10-25. Review status: criteria provided, single submitter. Criteria: ACMG Guidelines, 2015. Collection method: clinical testing. Allele origin: germline. Affected: no.

Genome-Nilou Lab
Classification: Benign for Hereditary spastic paraplegia 39. Last evaluated: 2021-10-25. Review status: criteria provided, single submitter. Criteria: ACMG Guidelines, 2015. Collection method: clinical testing. Allele origin: germline. Affected: no.

GeneDx
Classification: Benign. Last evaluated: 2016-01-22. Review status: criteria provided, single submitter. Criteria: GeneDx Variant Classification (06012015). Collection method: clinical testing. Allele origin: germline. Affected: yes.
Comment: This variant is considered likely benign or benign based on one or more of the following criteria: it is a conservative change, it occurs at a poorly conserved position in the protein, it is predicted to be benign by multiple in silico algorithms, and/or has population frequency not consistent with disease.

Breakthrough Genomics
Classification: Benign. Review status: criteria provided, single submitter. Criteria: ACMG Guidelines, 2015. Collection method: not provided. Allele origin: germline. Inheritance: Autosomal recessive inheritance. Affected: yes.

Diagnostic Laboratory, Department of Genetics, University Medical Center Groningen
Classification: Benign. Review status: no assertion criteria provided. Collection method: clinical testing. Allele origin: germline. Affected: yes. Study: VKGL Data-share Consensus. Not counted in ClinVar's aggregate classification.

Joint Genome Diagnostic Labs from Nijmegen and Maastricht, Radboudumc and MUMC+
Classification: Benign. Review status: no assertion criteria provided. Collection method: clinical testing. Allele origin: germline. Affected: yes. Study: VKGL Data-share Consensus. Not counted in ClinVar's aggregate classification.